The following is an entry in ClinVar:

NM_000432.4(MYL2):c.217G>T (p.Ala73Ser)

Gene: MYL2 (myosin light chain 2; minus strand). Cytogenetic location: 12q24.11.
Variant type: single nucleotide variant.
Coding change: c.217G>T on transcript NM_000432.4 (MANE Select); coding-DNA position 217, G replaced by T.
Protein change: p.Ala73Ser; replaces alanine 73 with serine.
Molecular consequence: missense variant.
Genome position (GRCh38, 1-based): chr12:110,914,243, C>A on the plus strand (G>T on the coding strand, the complement: MYL2 is on the minus strand). VCF-style: chr12-110914243-C-A. GRCh37 (hg19) VCF-style: chr12-111352047-C-A.
Other names: short protein forms A73S.
Identifiers: ClinVar variation 1352915 (VCV001352915.8), dbSNP rs2136772254, ClinGen allele CA386698758.
Genomic context (GRCh38, chr12:110,914,243, plus strand): 5'-TACCCTTAAGTTTCTCCCCAAACATTGTGAGGAACACAGTAAAGTTAATTGGACCCGGAG[C>A]CTCCTTGATCATTTCATCAATTTCTTCATTTTTCACGTTCACTCGCCCTAGGGTAGGAAA-3'
Protein context (NP_000423.2, residues 63-83): NEEIDEMIKE[Ala73Ser]PGPINFTVFL

ClinVar aggregate classification (germline): Uncertain significance (1 of 4 stars; one submission).

Conditions:
Hypertrophic cardiomyopathy 10. Also called: CARDIOMYOPATHY, HYPERTROPHIC, MID-LEFT VENTRICULAR CHAMBER TYPE, 2; MYL2-Related Familial Hypertrophic Cardiomyopathy. Identifiers: MedGen C1834460, MONDO:0012112, OMIM 608758.

Submission:

Labcorp Genetics (formerly Invitae), Labcorp
Classification: Uncertain significance for Hypertrophic cardiomyopathy 10. Last evaluated: 2025-05-14. Review status: criteria provided, single submitter. Criteria: Invitae Variant Classification Sherloc (09022015). Collection method: clinical testing. Allele origin: germline.
Comment: This sequence change replaces alanine, which is neutral and non-polar, with serine, which is neutral and polar, at codon 73 of the MYL2 protein (p.Ala73Ser). This variant is not present in population databases (gnomAD no frequency). This variant has not been reported in the literature in individuals affected with MYL2-related conditions. ClinVar contains an entry for this variant (Variation ID: 1352915). An algorithm developed to predict the effect of missense changes on protein structure and function (PolyPhen-2) suggests that this variant is likely to be tolerated. In summary, the available evidence is currently insufficient to determine the role of this variant in disease. Therefore, it has been classified as a Variant of Uncertain Significance.